The following is an entry in ClinVar:

ClinVar aggregate classification (germline): Uncertain significance. Review status: criteria provided, multiple submitters, no conflicts (2 of 4 stars). 2 submissions from 2 submitters: Uncertain significance (2). Last evaluated 2024-06-18.

Conditions:
Hereditary cancer-predisposing syndrome. Also called: Tumor predisposition; Hereditary neoplastic syndrome; Neoplastic Syndromes, Hereditary; Hereditary Cancer Syndrome. Identifiers: Orphanet 140162, MedGen C0027672, MeSH D009386, MONDO:0015356.
BAP1-related tumor predisposition syndrome (TPDS1). Also called: TUMOR PREDISPOSITION SYNDROME 1; BAP1 tumor predisposition syndrome; Tumor susceptibility linked to germline BAP1 mutations; COMMON Syndrome. Identifiers: Orphanet 289539, MedGen C3280492, MONDO:0013692, OMIM 614327.

Submissions (2):

Ambry Genetics
Classification: Uncertain significance for Hereditary cancer-predisposing syndrome. Last evaluated: 2024-06-18. Review status: criteria provided, single submitter. Criteria: Ambry Variant Classification Scheme 2023. Collection method: clinical testing. Allele origin: germline.
Comment: The p.M681V variant (also known as c.2041A>G), located in coding exon 16 of the BAP1 gene, results from an A to G substitution at nucleotide position 2041. The methionine at codon 681 is replaced by valine, an amino acid with highly similar properties. This amino acid position is conserved. In addition, the in silico prediction for this alteration is inconclusive. Based on the available evidence, the clinical significance of this variant remains unclear.

Labcorp Genetics (formerly Invitae), Labcorp
Classification: Uncertain significance for BAP1-related tumor predisposition syndrome. Last evaluated: 2022-11-22. Review status: criteria provided, single submitter. Criteria: Invitae Variant Classification Sherloc (09022015). Collection method: clinical testing. Allele origin: germline.
Comment: Advanced modeling of protein sequence and biophysical properties (such as structural, functional, and spatial information, amino acid conservation, physicochemical variation, residue mobility, and thermodynamic stability) performed at Invitae indicates that this missense variant is expected to disrupt BAP1 protein function. This variant has not been reported in the literature in individuals affected with BAP1-related conditions. This variant is not present in population databases (gnomAD no frequency). This sequence change replaces methionine, which is neutral and non-polar, with valine, which is neutral and non-polar, at codon 681 of the BAP1 protein (p.Met681Val). In summary, the available evidence is currently insufficient to determine the role of this variant in disease. Therefore, it has been classified as a Variant of Uncertain Significance.

NM_004656.4(BAP1):c.2041A>G (p.Met681Val)

Gene: BAP1 (BRCA1 associated deubiquitinase 1; minus strand). Cytogenetic location: 3p21.1.
Variant type: single nucleotide variant.
Coding change: c.2041A>G on transcript NM_004656.4 (MANE Select); coding-DNA position 2041, A replaced by G.
Protein change: p.Met681Val; replaces methionine 681 with valine.
Molecular consequence: missense variant.
Genome position (GRCh38, 1-based): chr3:52,402,617, T>C on the plus strand (A>G on the coding strand, the complement: BAP1 is on the minus strand). VCF-style: chr3-52402617-T-C. GRCh37 (hg19) VCF-style: chr3-52436633-T-C.
Other names: c.1987A>G, p.Met663Val (NM_001410772.1); short protein forms M681V, M663V.
Identifiers: ClinVar variation 2064644 (VCV002064644.5), dbSNP rs2471320246, ClinGen allele CA353096173.
Genomic context (GRCh38, chr3:52,402,617, plus strand): 5'-CCCTCAGCAGGGCATTCCAGTTAAGACAGCAGCGCATCCCCTCACCTTCCTGAGCCAGCA[T>C]GGAGATAAAGGTGCAGATGAACTCATCGTAGTTGTGGGTCCTTCTCTGGTCATCAATCTG-3'
Protein context (NP_004647.1, residues 671-691): YDEFICTFIS[Met681Val]LAQEGMLANL